The following is an entry in ClinVar:

ClinVar aggregate classification (germline): Conflicting classifications of pathogenicity. Review status: criteria provided, conflicting classifications (1 of 4 stars). 2 submissions from 2 submitters: Likely pathogenic (1); Uncertain significance (1). Last evaluated 2026-01-07.

Conditions:
MYCBP2-related neurodevelopmental condition.

Submissions (2):

Undiagnosed Diseases Network, NIH
Classification: Likely pathogenic for MYCBP2-related neurodevelopmental condition. Last evaluated: 2026-01-07. Review status: criteria provided, single submitter. Criteria: ACMG Guidelines, 2015. Collection method: clinical testing, in vitro. Allele origin: germline, not applicable. Inheritance: Autosomal dominant inheritance. Affected: yes. Observed: 1 variant allele, 1 heterozygote. Functional consequence: activated cryptic splice donor. Study: Undiagnosed Diseases Network (NIH), UDN.
Comment: A heterozygous variant, c.9784+3A>G, located at the canonical splice donor site of intron 56 of 82 in the MYCBP2 gene, is predicted by SpliceAI to disrupt normal splicing (splice donor loss score = 0.18) and to introduce a cryptic splice donor site (splice acceptor gain score = 0.58). RNA splicing analysis using FRASER confirmed the loss of the canonical splice donor and identified the use of an alternative donor site located in intron 56. This aberrant splicing event results in the inclusion of 20 intronic nucleotides, r.9784_9785insgugaaugauacuguugaau, and is predicted to lead to a frameshift and a premature stop codon: p.(Cys3263GlufsTer2). Expression analysis by OUTRIDER did not identify a statistically significant reduction in MYCBP2 transcript levels. However, monoallelic expression analysis revealed allelic imbalance in two of the four heterozygous SNPs in MYCBP2, suggesting possible partial transcript degradation. Taken together, the gene expression and allelic skewing data are consistent with a modest reduction in MYCBP2 expression, potentially below the detection threshold of the current assay. In summary, these findings support that the MYCBP2 c.9784+3A>G variant causes abnormal splicing resulting in a frameshift transcript. While significant expression reduction was not observed, a low level of nonsense-mediated decay cannot be excluded.

GeneDx
Classification: Uncertain significance. Last evaluated: 2024-06-14. Review status: criteria provided, single submitter. Criteria: GeneDx Variant Classification Process June 2021. Collection method: clinical testing. Allele origin: germline. Affected: yes.
Comment: Not observed at significant frequency in large population cohorts (gnomAD); In silico analysis supports a deleterious effect on splicing; Has not been previously published as pathogenic or benign to our knowledge

NM_015057.5(MYCBP2):c.9784+3A>G

Gene: MYCBP2 (MYC binding protein 2; minus strand). Cytogenetic location: 13q22.3.
Variant type: single nucleotide variant.
Coding change: c.9784+3A>G on transcript NM_015057.5 (MANE Select); 3 bases into the intron after coding-DNA position 9784, A replaced by G.
Molecular consequence: intron variant.
Genome position (GRCh38, 1-based): chr13:77,097,367, T>C on the plus strand (A>G on the coding strand, the complement: MYCBP2 is on the minus strand). VCF-style: chr13-77097367-T-C. GRCh37 (hg19) VCF-style: chr13-77671502-T-C.
Other names: r.9784_9785ins20; c.9784+3A>G (NM_015057.4).
Identifiers: ClinVar variation 3392656 (VCV003392656.2).